The following is an entry in ClinVar:

NM_004360.5(CDH1):c.41T>C (p.Leu14Pro)

Gene: CDH1 (cadherin 1; plus strand). Cytogenetic location: 16q22.1.
Variant type: single nucleotide variant.
Coding change: c.41T>C on transcript NM_004360.5 (MANE Select); coding-DNA position 41, T replaced by C.
Protein change: p.Leu14Pro; replaces leucine 14 with proline.
Molecular consequence: missense variant. On other transcripts: 5 prime UTR variant (2).
Genome position (GRCh38, 1-based): chr16:68,737,456, T>C. VCF-style: chr16-68737456-T-C. GRCh37 (hg19) VCF-style: chr16-68771359-T-C.
Other names: c.-1575T>C (NM_001317185.2); c.-1779T>C (NM_001317186.2); c.41T>C, p.Leu14Pro (NM_001317184.2); short protein forms L14P.
Identifiers: ClinVar variation 4733960 (VCV004733960.1).
Genomic context (GRCh38, chr16:68,737,456, plus strand): 5'-CTCGGCGTCCCCGGCCAGCCATGGGCCCTTGGAGCCGCAGCCTCTCGGCGCTGCTGCTGC[T>C]GCTGCAGGTACCCCGGATCCCCTGACTTGCGAGGGACGCATTCGGGCCGCAAGCTCCGCG-3'
Protein context (NP_004351.1, residues 4-24): WSRSLSALLL[Leu14Pro]LQVSSWLCQE

ClinVar aggregate classification (germline): Uncertain significance (1 of 4 stars; one submission).

Conditions:
Hereditary diffuse gastric adenocarcinoma (HDGC). Also called: DIFFUSE GASTRIC AND LOBULAR BREAST CANCER SYNDROME. Identifiers: Orphanet 26106, MedGen C1708349, MONDO:0007648, OMIM 137215.

gnomAD v4.1: 1 of 1,537,118 alleles (0.000065%); highest among the groups gnomAD compares: South Asian, 0.0012%; no homozygotes.

Submission:

Labcorp Genetics (formerly Invitae), Labcorp
Classification: Uncertain significance for Hereditary diffuse gastric adenocarcinoma. Last evaluated: 2025-12-23. Review status: criteria provided, single submitter. Criteria: Invitae Variant Classification Sherloc (09022015). Collection method: clinical testing. Allele origin: germline.
Comment: This sequence change replaces leucine, which is neutral and non-polar, with proline, which is neutral and non-polar, at codon 14 of the CDH1 protein (p.Leu14Pro). This variant is not present in population databases (gnomAD no frequency). This variant has not been reported in the literature in individuals affected with CDH1-related conditions. An algorithm developed to predict the effect of missense changes on protein structure and function (PolyPhen-2) suggests that this variant is likely to be tolerated. In summary, the available evidence is currently insufficient to determine the role of this variant in disease. Therefore, it has been classified as a Variant of Uncertain Significance.